The following is an entry in ClinVar:

ClinVar aggregate classification (germline): Likely benign (1 of 4 stars; one submission).

Conditions:
Familial cancer of breast. Also called: hereditary breast carcinoma; Hereditary breast cancer; BREAST CANCER, FAMILIAL. Identifiers: Orphanet 227535, MedGen C0346153, MONDO:0016419, OMIM 114480. Disease mechanism: loss of function.

gnomAD v4.1: 3 of 1,610,722 alleles (0.00019%); no homozygotes.

Submission:

Myriad Genetics, Inc.
Classification: Likely benign for Familial cancer of breast. Last evaluated: 2024-07-29. Review status: criteria provided, single submitter. Criteria: Myriad Autosomal Dominant, Autosomal Recessive and X-Linked Classification Criteria (2023). Collection method: clinical testing. Allele origin: unknown.
Comment: This variant is considered likely benign. This variant is intronic and is not expected to impact mRNA splicing.

NM_000465.4(BARD1):c.2001+8T>G

Gene: BARD1 (BRCA1 associated RING domain 1; minus strand). Cytogenetic location: 2q35.
Variant type: single nucleotide variant.
Coding change: c.2001+8T>G on transcript NM_000465.4 (MANE Select); 8 bases into the intron after coding-DNA position 2001, T replaced by G.
Molecular consequence: intron variant.
Genome position (GRCh38, 1-based): chr2:214,730,403, A>C on the plus strand (T>G on the coding strand, the complement: BARD1 is on the minus strand). VCF-style: chr2-214730403-A-C. GRCh37 (hg19) VCF-style: chr2-215595127-A-C.
Other names: c.591+8T>G (NM_001282548.2); c.1944+8T>G (NM_001282543.2); c.648+8T>G (NM_001282545.2); c.462+8T>G (NM_001282549.2).
Identifiers: ClinVar variation 3379125 (VCV003379125.1).